The following is an entry in ClinVar:

ClinVar aggregate classification (germline): Conflicting classifications of pathogenicity. Review status: criteria provided, conflicting classifications (1 of 4 stars). 2 submissions from 2 submitters: Uncertain significance (1); Likely benign (1). Last evaluated 2023-12-28.

Allele frequency attached by ClinVar (database versions not stated): gnomAD 0.00029; gnomAD exomes 0.00030; TOPMed 0.00037; ESP Exome Variant Server 0.00038; 1000 Genomes Project 0.00040; ExAC 0.00040; 1000 Genomes Project 30x 0.00047.
gnomAD v4.1: 498 of 1,610,538 alleles (0.031%); highest among the groups gnomAD compares: Middle Eastern, 0.2%; no homozygotes.

Submissions (2):

Ambry Genetics
Classification: Uncertain significance. Last evaluated: 2023-12-28. Review status: criteria provided, single submitter. Criteria: Ambry Variant Classification Scheme 2023. Collection method: clinical testing. Allele origin: germline.

CeGaT Center for Human Genetics Tuebingen
Classification: Likely benign. Last evaluated: 2022-10-01. Review status: criteria provided, single submitter. Criteria: CeGaT Center For Human Genetics Tuebingen Variant Classification Criteria Version 2. Collection method: clinical testing. Allele origin: germline. Affected: yes. Observed: 1 variant allele.
Comment: ABCA8: BP4, BS2

NM_001288985.2(ABCA8):c.2788C>G (p.Gln930Glu)

Gene: ABCA8 (ATP binding cassette subfamily A member 8; minus strand). Cytogenetic location: 17q24.2.
Variant type: single nucleotide variant.
Coding change: c.2788C>G on transcript NM_001288985.2 (MANE Select); coding-DNA position 2788, C replaced by G.
Protein change: p.Gln930Glu; replaces glutamine 930 with glutamic acid.
Molecular consequence: missense variant.
Genome position (GRCh38, 1-based): chr17:68,894,990, G>C on the plus strand (C>G on the coding strand, the complement: ABCA8 is on the minus strand). VCF-style: chr17-68894990-G-C. GRCh37 (hg19) VCF-style: chr17-66891131-G-C.
Other names: c.2788C>G, p.Gln930Glu (NM_001288986.2); c.2605C>G, p.Gln869Glu (NM_001375771.1); c.1366C>G, p.Gln456Glu (NM_001375772.1); c.2668C>G, p.Gln890Glu (NM_007168.4); short protein forms Q869E, Q930E, Q890E, Q456E.
Identifiers: ClinVar variation 2390774 (VCV002390774.26), dbSNP rs140095797, ClinGen allele CA8730963.